The following is an entry in ClinVar:

NM_004006.3(DMD):c.1315A>G (p.Met439Val)

Gene: DMD (dystrophin; minus strand). Cytogenetic location: Xp21.1.
Variant type: single nucleotide variant.
Coding change: c.1315A>G on transcript NM_004006.3 (MANE Select); coding-DNA position 1315, A replaced by G.
Protein change: p.Met439Val; replaces methionine 439 with valine.
Molecular consequence: missense variant.
Genome position (GRCh38, 1-based): chrX:32,644,148, T>C on the plus strand (A>G on the coding strand, the complement: DMD is on the minus strand). VCF-style: chrX-32644148-T-C. GRCh37 (hg19) VCF-style: chrX-32662265-T-C.
Other names: c.1291A>G, p.Met431Val (NM_000109.4); c.1303A>G, p.Met435Val (NM_004009.3); c.946A>G, p.Met316Val (NM_004010.3); short protein forms M439V, M431V, M316V, M435V.
Identifiers: ClinVar variation 582486 (VCV000582486.9), dbSNP rs1569373322, ClinGen allele CA412660857.
Genomic context (GRCh38, chrX:32,644,148, plus strand): 5'-CAAAACTTGTTAGTCTTCTTAATTAAAAACAAATAAGGACTTACTTGCTTTGTTTTTCCA[T>C]GCTAGCTACCCTGAGGCATTCCCATCTTGAATTTAGGAGATTCATCTGCTCTTGTACTTC-3'
Protein context (NP_003997.2, residues 429-449): SRWECLRVAS[Met439Val]EKQSNLHRVL

ClinVar aggregate classification (germline): Uncertain significance. Review status: criteria provided, multiple submitters, no conflicts (2 of 4 stars). 4 submissions from 4 submitters: Uncertain significance (3). 1 of the submissions does not count toward it. Last evaluated 2025-09-19.

Conditions:
Cardiomyopathy (CMYO). Also called: Cardiomyopathies. Identifiers: Orphanet 167848, MedGen C0878544, MONDO:0004994, HP:0001638. Inheritance: Various modes of inheritance.
Duchenne muscular dystrophy (DMD). Also called: MUSCULAR DYSTROPHY, PSEUDOHYPERTROPHIC PROGRESSIVE, DUCHENNE TYPE; Duchenne Muscular Dystrophy (DMD). Identifiers: Orphanet 98896, MedGen C0013264, MONDO:0010679, OMIM 310200.
Becker muscular dystrophy (BMD). Also called: MUSCULAR DYSTROPHY, PSEUDOHYPERTROPHIC PROGRESSIVE, BECKER TYPE; Becker Muscular Dystrophy (BMD). Identifiers: Orphanet 98895, MedGen C0917713, MONDO:0010311, OMIM 300376.
Dystrophin deficiency.
Cardiovascular phenotype. Identifiers: MedGen CN230736.

gnomAD v4.1: 1 of 1,208,604 alleles (0.000083%); no homozygotes.

Submissions (4):

Ambry Genetics
Classification: Uncertain significance for Cardiovascular phenotype. Last evaluated: 2025-09-19. Review status: criteria provided, single submitter. Criteria: Ambry Variant Classification Scheme 2023. Collection method: clinical testing. Allele origin: germline.
Comment: The p.M439V variant (also known as c.1315A>G), located in coding exon 11 of the DMD gene, results from an A to G substitution at nucleotide position 1315. The methionine at codon 439 is replaced by valine, an amino acid with highly similar properties. This amino acid position is highly conserved in available vertebrate species. In addition, the in silico prediction for this alteration is inconclusive. Based on the available evidence, the clinical significance of this variant remains unclear.

GeneDx
Classification: Uncertain significance. Last evaluated: 2022-09-21. Review status: criteria provided, single submitter. Criteria: GeneDx Variant Classification Process June 2021. Collection method: clinical testing. Allele origin: germline. Affected: yes.
Comment: Not observed at significant frequency in large population cohorts (gnomAD); In silico analysis supports that this missense variant has a deleterious effect on protein structure/function; Has not been previously published as pathogenic or benign to our knowledge

Labcorp Genetics (formerly Invitae), Labcorp
Classification: Uncertain significance for Duchenne muscular dystrophy. Last evaluated: 2022-06-13. Review status: criteria provided, single submitter. Criteria: Invitae Variant Classification Sherloc (09022015). Collection method: clinical testing. Allele origin: germline.
Comment: This sequence change replaces methionine, which is neutral and non-polar, with valine, which is neutral and non-polar, at codon 439 of the DMD protein (p.Met439Val). This variant is not present in population databases (gnomAD no frequency). This variant has not been reported in the literature in individuals affected with DMD-related conditions. ClinVar contains an entry for this variant (Variation ID: 582486). Algorithms developed to predict the effect of missense changes on protein structure and function (SIFT, PolyPhen-2, Align-GVGD) all suggest that this variant is likely to be tolerated. In summary, the available evidence is currently insufficient to determine the role of this variant in disease. Therefore, it has been classified as a Variant of Uncertain Significance.

Natera, Inc.
Classification: Uncertain significance for Becker muscular dystrophy; Cardiomyopathy; Duchenne muscular dystrophy; Dystrophin deficiency. Last evaluated: 2019-02-25. Review status: no assertion criteria provided. Collection method: clinical testing. Allele origin: germline. Not counted in ClinVar's aggregate classification.